The following is an entry in ClinVar:

ClinVar aggregate classification (germline): Uncertain significance. Review status: criteria provided, multiple submitters, no conflicts (2 of 4 stars). 2 submissions from 2 submitters: Uncertain significance (2). Last evaluated 2025-01-16.

Conditions:
Inborn genetic diseases. Identifiers: MedGen C0950123, MeSH D030342.

Allele frequency attached by ClinVar (database versions not stated): gnomAD exomes below 0.00001; gnomAD 0.00001 and 0.00002; TOPMed 0.00001.
gnomAD v4.1: 26 of 1,594,352 alleles (0.0016%); highest among the groups gnomAD compares: Non-Finnish European, 0.0022%; no homozygotes.

Submissions (2):

Ambry Genetics
Classification: Uncertain significance for Inborn genetic diseases. Last evaluated: 2025-01-16. Review status: criteria provided, single submitter. Criteria: Ambry Variant Classification Scheme 2023. Collection method: clinical testing. Allele origin: germline.

Labcorp Genetics (formerly Invitae), Labcorp
Classification: Uncertain significance. Last evaluated: 2020-11-27. Review status: criteria provided, single submitter. Criteria: Invitae Variant Classification Sherloc (09022015). Collection method: clinical testing. Allele origin: germline.
Comment: This sequence change replaces alanine with proline at codon 1218 of the TRPM1 protein (p.Ala1218Pro). The alanine residue is weakly conserved and there is a small physicochemical difference between alanine and proline. This variant is not present in population databases (ExAC no frequency). This variant has not been reported in the literature in individuals with TRPM1-related conditions. Algorithms developed to predict the effect of missense changes on protein structure and function (SIFT, PolyPhen-2, Align-GVGD) all suggest that this variant is likely to be tolerated, but these predictions have not been confirmed by published functional studies and their clinical significance is uncertain. In summary, the available evidence is currently insufficient to determine the role of this variant in disease. Therefore, it has been classified as a Variant of Uncertain Significance.

NM_001252024.2(TRPM1):c.3718G>C (p.Ala1240Pro)

Gene: TRPM1 (transient receptor potential cation channel subfamily M member 1; minus strand). Cytogenetic location: 15q13.3.
Variant type: single nucleotide variant.
Coding change: c.3718G>C on transcript NM_001252024.2 (MANE Select); coding-DNA position 3718, G replaced by C.
Protein change: p.Ala1240Pro; replaces alanine 1240 with proline.
Molecular consequence: missense variant.
Genome position (GRCh38, 1-based): chr15:31,002,982, C>G on the plus strand (G>C on the coding strand, the complement: TRPM1 is on the minus strand). VCF-style: chr15-31002982-C-G. GRCh37 (hg19) VCF-style: chr15-31295185-C-G.
Other names: c.3769G>C, p.Ala1257Pro (NM_001252020.2); c.3652G>C, p.Ala1218Pro (NM_002420.6); c.3652G>C (NM_002420.4); short protein forms A1218P, A1240P, A1257P.
Identifiers: ClinVar variation 1003338 (VCV001003338.9), dbSNP rs914468507, ClinGen allele CA267497634.